The following is an entry in ClinVar:

ClinVar aggregate classification (germline): Uncertain significance (1 of 4 stars; one submission).

Conditions:
Atrial fibrillation, familial, 18 (ATFB18). Identifiers: MedGen C4310636, MONDO:0015001, OMIM 617280.

Submission:

Labcorp Genetics (formerly Invitae), Labcorp
Classification: Uncertain significance for Atrial fibrillation, familial, 18. Last evaluated: 2025-12-08. Review status: criteria provided, single submitter. Criteria: Invitae Variant Classification Sherloc (09022015). Collection method: clinical testing. Allele origin: germline.
Comment: This sequence change replaces arginine, which is basic and polar, with leucine, which is neutral and non-polar, at codon 140 of the MYL4 protein (p.Arg140Leu). This variant is not present in population databases (gnomAD no frequency). This variant has not been reported in the literature in individuals affected with MYL4-related conditions. An algorithm developed to predict the effect of missense changes on protein structure and function (PolyPhen-2) suggests that this variant is likely to be disruptive. In summary, the available evidence is currently insufficient to determine the role of this variant in disease. Therefore, it has been classified as a Variant of Uncertain Significance.

NM_002476.2(MYL4):c.419G>T (p.Arg140Leu)

Gene: MYL4 (myosin light chain 4; plus strand). Cytogenetic location: 17q21.32.
Variant type: single nucleotide variant.
Coding change: c.419G>T on transcript NM_002476.2 (MANE Select); coding-DNA position 419, G replaced by T.
Protein change: p.Arg140Leu; replaces arginine 140 with leucine.
Molecular consequence: missense variant.
Genome position (GRCh38, 1-based): chr17:47,221,787, G>T. VCF-style: chr17-47221787-G-T. GRCh37 (hg19) VCF-style: chr17-45299153-G-T.
Other names: c.419G>T, p.Arg140Leu (NM_001002841.2); short protein forms R140L.
Identifiers: ClinVar variation 4714454 (VCV004714454.1).
Genomic context (GRCh38, chr17:47,221,787, plus strand): 5'-TGCAGCACATTTCCCGCAACAAGGAGCAGGGCACCTATGAGGACTTCGTGGAGGGCCTGC[G>T]TGTCTTTGACAAGGAGAGCAATGGCACGGTCATGGGTGCTGAGCTTCGGCACGTCCTTGC-3'
Protein context (NP_002467.1, residues 130-150): GTYEDFVEGL[Arg140Leu]VFDKESNGTV